The following is an entry in ClinVar:

ClinVar aggregate classification (germline): Conflicting classifications of pathogenicity. Review status: criteria provided, conflicting classifications (1 of 4 stars). 3 submissions from 3 submitters: Uncertain significance (2); Likely benign (1). Last evaluated 2025-12-02.

Conditions:
Ehlers-Danlos syndrome, classic type, 1 (EDSCL1). Also called: EHLERS-DANLOS SYNDROME, GRAVIS TYPE; EHLERS-DANLOS SYNDROME, SEVERE CLASSIC TYPE; EDS I; Ehlers-Danlos Syndrome, Classic Type, COL5A1-Related; Ehlers-Danlos syndrome, type 1. Identifiers: MedGen C0268335, MONDO:0019567, OMIM 130000.

Allele frequency attached by ClinVar (database versions not stated): gnomAD below 0.00001 and 0.00001; 1000 Genomes Project 30x 0.00016; gnomAD exomes 0.00002 and 0.00004; TOPMed below 0.00001; 1000 Genomes Project 0.00020; ExAC 0.00005.
gnomAD v4.1: 30 of 1,613,370 alleles (0.0019%); highest among the groups gnomAD compares: South Asian, 0.033%; no homozygotes.

Submissions (3):

Labcorp Genetics (formerly Invitae), Labcorp
Classification: Likely benign for Ehlers-Danlos syndrome, classic type, 1. Last evaluated: 2025-12-02. Review status: criteria provided, single submitter. Criteria: Invitae Variant Classification Sherloc (09022015). Collection method: clinical testing. Allele origin: germline.

GeneDx
Classification: Uncertain significance. Last evaluated: 2025-05-20. Review status: criteria provided, single submitter. Criteria: GeneDx Variant Classification Process June 2021. Collection method: clinical testing. Allele origin: germline. Affected: yes.
Comment: In silico analysis supports that this missense variant has a deleterious effect on protein structure/function; Has not been previously published as pathogenic or benign to our knowledge; Occurs in the triple helical domain at the X position in the canonical Gly-X-Y repeat; although this variant may have an effect on normal protein folding and function, missense substitution at the X position is not a common mechanism of disease (PMID: 22696272; HGMD); This variant is associated with the following publications: (PMID: 22696272)

Revvity Omics, Revvity
Classification: Uncertain significance. Last evaluated: 2020-10-02. Review status: criteria provided, single submitter. Criteria: ACMG Guidelines, 2015. Collection method: clinical testing. Allele origin: germline.

NM_000093.5(COL5A1):c.1445C>T (p.Pro482Leu)

Gene: COL5A1 (collagen type V alpha 1 chain; plus strand). Cytogenetic location: 9q34.3.
Variant type: single nucleotide variant.
Coding change: c.1445C>T on transcript NM_000093.5 (MANE Select); coding-DNA position 1445, C replaced by T.
Protein change: p.Pro482Leu; replaces proline 482 with leucine.
Molecular consequence: missense variant.
Genome position (GRCh38, 1-based): chr9:134,738,759, C>T. VCF-style: chr9-134738759-C-T. GRCh37 (hg19) VCF-style: chr9-137630605-C-T.
Other names: c.1445C>T, p.Pro482Leu (NM_001278074.1); c.1445C>T (NM_000093.3); short protein forms P482L.
Identifiers: ClinVar variation 967646 (VCV000967646.15), dbSNP rs565329216, ClinGen allele CA5318815.